The following is an entry in ClinVar:

NM_000059.4(BRCA2):c.7540A>G (p.Lys2514Glu)

Gene: BRCA2 (BRCA2 DNA repair associated; plus strand). Cytogenetic location: 13q13.1.
Variant type: single nucleotide variant.
Coding change: c.7540A>G on transcript NM_000059.4 (MANE Select); coding-DNA position 7540, A replaced by G.
Protein change: p.Lys2514Glu; replaces lysine 2514 with glutamic acid.
Molecular consequence: missense variant.
Genome position (GRCh38, 1-based): chr13:32,356,532, A>G. VCF-style: chr13-32356532-A-G. GRCh37 (hg19) VCF-style: chr13-32930669-A-G.
Other names: short protein forms K2514E.
Identifiers: ClinVar variation 220661 (VCV000220661.31), dbSNP rs864622624, ClinGen allele CA348259.
Genomic context (GRCh38, chr13:32,356,532, plus strand): 5'-CGAATTAAGAAGAAACAAAGGCAACGCGTCTTTCCACAGCCAGGCAGTCTGTATCTTGCA[A>G]AAACATCCACTCTGCCTCGAATCTCTCTGAAAGCAGCAGTAGGAGGCCAAGTTCCCTCTG-3'
Protein context (NP_000050.3, residues 2504-2524): FPQPGSLYLA[Lys2514Glu]TSTLPRISLK

ClinVar aggregate classification (germline): Conflicting classifications of pathogenicity. Review status: criteria provided, conflicting classifications (1 of 4 stars). 11 submissions from 11 submitters: Uncertain significance (8); Likely benign (1). 2 of the submissions do not count toward it. Last evaluated 2025-12-08.

Conditions:
Hereditary cancer-predisposing syndrome. Also called: Hereditary Cancer Syndrome; Tumor predisposition; Neoplastic Syndromes, Hereditary; Hereditary neoplastic syndrome. Identifiers: Orphanet 140162, MedGen C0027672, MeSH D009386, MONDO:0015356.
Hereditary breast ovarian cancer syndrome. Also called: BRCA1- and BRCA2-Associated Hereditary Breast and Ovarian Cancer; Hereditary breast and ovarian cancer syndrome; Hereditary breast and ovarian cancer syndrome (HBOC); Hereditary breast and ovarian cancer; Hereditary breast and/or ovarian cancer syndrome; Breast and ovarian cancer. Identifiers: Orphanet 145, MedGen C0677776, MeSH D061325, MONDO:0003582. Disease mechanism: loss of function.
Breast-ovarian cancer, familial, susceptibility to, 2 (BROVCA2). Also called: BRCA2 Hereditary Breast and Ovarian Cancer. Identifiers: Orphanet 145, MedGen C2675520, MONDO:0012933, OMIM 612555. Disease mechanism: loss of function.
Familial cancer of breast. Also called: hereditary breast carcinoma; BREAST CANCER, FAMILIAL; Hereditary breast cancer. Identifiers: Orphanet 227535, MedGen C0346153, MONDO:0016419, OMIM 114480. Disease mechanism: loss of function.

Allele frequency attached by ClinVar (database versions not stated): gnomAD exomes below 0.00001; gnomAD 0.00001; TOPMed 0.00002.
gnomAD v4.1: 6 of 1,614,130 alleles (0.00037%); highest among the groups gnomAD compares: Non-Finnish European, 0.00051%; no homozygotes.

Submissions (11):

Labcorp Genetics (formerly Invitae), Labcorp
Classification: Uncertain significance for Hereditary breast ovarian cancer syndrome. Last evaluated: 2025-12-08. Review status: criteria provided, single submitter. Criteria: Invitae Variant Classification Sherloc (09022015). Collection method: clinical testing. Allele origin: germline.
Comment: This sequence change replaces lysine, which is basic and polar, with glutamic acid, which is acidic and polar, at codon 2514 of the BRCA2 protein (p.Lys2514Glu). This variant is not present in population databases (gnomAD no frequency). This missense change has been observed in individual(s) with breast cancer (PMID: 27273131, 36627197, 37060015). ClinVar contains an entry for this variant (Variation ID: 220661). Invitae Evidence Modeling of protein sequence and biophysical properties (such as structural, functional, and spatial information, amino acid conservation, physicochemical variation, residue mobility, and thermodynamic stability) indicates that this missense variant is not expected to disrupt BRCA2 protein function with a negative predictive value of 95%. In summary, the available evidence is currently insufficient to determine the role of this variant in disease. Therefore, it has been classified as a Variant of Uncertain Significance.

Quest Diagnostics Nichols Institute San Juan Capistrano
Classification: Uncertain significance. Last evaluated: 2025-08-13. Review status: criteria provided, single submitter. Criteria: Quest Diagnostics criteria. Collection method: clinical testing. Allele origin: unknown.
Comment: The BRCA2 c.7540A>G (p.Lys2514Glu) variant has been reported in the published literature in individuals with breast cancer (PMID: 27273131 (2016), 35585550 (2022), 37060015 (2023)), gastric cancer (PMID: 36627197 (2023)), and reportedly unaffected individuals (PMID: 35585550 (2022), 38566028 (2024)). A functional study demonstrated that this variant had an inconclusive effect on protein function, with benign effects in saturation genome editing assays measuring DNA repair-dependent cell survival (PMIDs: 39779848 (2025)). The frequency of this variant in the general population (Genome Aggregation Database) is uninformative in the assessment of its pathogenicity. Analysis of this variant using bioinformatics tools for the prediction of the effect of amino acid changes on protein structure and function yielded conflicting predictions that this variant is benign or damaging. Based on the available information, we are unable to determine the clinical significance of this variant.

Color Diagnostics, LLC DBA Color Health
Classification: Uncertain significance for Hereditary cancer-predisposing syndrome. Last evaluated: 2025-07-30. Review status: criteria provided, single submitter. Criteria: ACMG Guidelines, 2015. Collection method: clinical testing. Allele origin: germline.
Comment: This missense variant replaces lysine with glutamic acid at codon 2514 of the BRCA2 protein. Computational prediction suggests that this variant may have deleterious impact on protein structure and function. Functional studies have reported that this variant does not impact BRCA2 in a haploid cell proliferation assay and in sensitivity assays to cisplatin and PARP inhibitor (PMID: 39779848, 39779857). This variant has been reported in two individuals affected with breast cancer and an individual affected with gastric cancer (PMID: 27273131, 36627197, 37060015). This variant has been detected in a breast cancer case-control meta-analysis in 3/60466 cases and 1/53461 unaffected individuals (PMID: 33471991Leiden Open Variation Database DB-ID BRCA2_003788). A multifactorial analysis has reached a combined likelihood ratio (LR) of 0.922 based on reported LR for co-occurrence with a pathogenic variant and personal and family history for 1 carrier (PMID: 31853058). This variant has not been identified in the general population by the Genome Aggregation Database (gnomAD). The available evidence is insufficient to determine the role of this variant in disease conclusively. Therefore, this variant is classified as a Variant of Uncertain Significance.

Ambry Genetics
Classification: Likely benign for Hereditary cancer-predisposing syndrome. Last evaluated: 2025-04-25. Review status: criteria provided, single submitter. Criteria: Ambry Variant Classification Scheme 2023. Collection method: clinical testing. Allele origin: germline.

Baylor Genetics
Classification: Uncertain significance for Familial cancer of breast. Last evaluated: 2023-08-20. Review status: criteria provided, single submitter. Criteria: ACMG Guidelines, 2015. Collection method: clinical testing. Allele origin: unknown.

All of Us Research Program, National Institutes of Health
Classification: Uncertain significance for Breast-ovarian cancer, familial, susceptibility to, 2. Last evaluated: 2023-07-19. Review status: criteria provided, single submitter. Criteria: ACMG Guidelines, 2015. Collection method: clinical testing. Allele origin: germline. Inheritance: Autosomal dominant inheritance. Observed: 1 variant allele, 1 heterozygote.
Comment: This missense variant replaces lysine with glutamic acid at codon 2514 of the BRCA2 protein. Computational prediction suggests that this variant may have deleterious impact on protein structure and function (internally defined REVEL score threshold >= 0.7, PMID: 27666373). To our knowledge, functional studies have not been reported for this variant. This variant has been reported in two individuals affected with breast cancer and an individual affected with gastric cancer (PMID: 27273131, 36627197, 37060015), but also in a general population study in the literature (PMID: 33428613). This variant has not been identified in the general population by the Genome Aggregation Database (gnomAD). The available evidence is insufficient to determine the role of this variant in disease conclusively. Therefore, this variant is classified as a Variant of Uncertain Significance.

This study involves interpretation of variants in research participants for the purpose of population health screening. Participant phenotype was not available at the time of variant classification. Additional details can be found in publication PMID: 35346344, PMCID: PMC8962531

GeneDx
Classification: Uncertain significance. Last evaluated: 2023-01-17. Review status: criteria provided, single submitter. Criteria: GeneDx Variant Classification Process June 2021. Collection method: clinical testing. Allele origin: germline. Affected: yes.
Comment: Published functional studies suggest no splice defect and no effect on RNA (Byers et al., 2016); Observed in an individual with breast cancer, but also in a general population study (Byers et al., 2016; Tokunaga et al., 2021); In silico analysis supports that this missense variant does not alter protein structure/function; Not observed at significant frequency in large population cohorts (gnomAD); Also known as 7768A>G; This variant is associated with the following publications: (PMID: 29884841, 32377563, 33428613, 12228710, 27273131)

Blueprint Genetics
Classification: Uncertain significance. Last evaluated: 2022-10-04. Review status: criteria provided, single submitter. Criteria: ACMG Guidelines, 2015. Collection method: clinical testing. Allele origin: germline.

Women's Health and Genetics/Laboratory Corporation of America, LabCorp
Classification: Uncertain significance. Last evaluated: 2019-10-11. Review status: criteria provided, single submitter. Criteria: LabCorp Variant Classification Summary - May 2015. Collection method: clinical testing. Allele origin: germline.
Comment: Variant summary: BRCA2 c.7540A>G (p.Lys2514Glu) results in a conservative amino acid change located in the Breast cancer type 2 susceptibility protein, helical domain of the encoded protein sequence. Four of five in-silico tools predict a damaging effect of the variant on protein function. The variant was absent in 251316 control chromosomes (gnomAD). The available data on variant occurrences in the general population are insufficient to allow any conclusion about variant significance. c.7540A>G has been reported in the literature in an individual affected with Hereditary Breast Cancer (Byers_2006). These report(s) do not provide unequivocal conclusions about association of the variant with Hereditary Breast and Ovarian Cancer. To our knowledge, no experimental evidence demonstrating an impact on protein function has been reported. Four ClinVar submissions (evaluation after 2014) cites the variant as uncertain significance. Based on the evidence outlined above, the variant was classified as uncertain significance.

BRCAlab, Lund University
Classification: Uncertain significance for Breast-ovarian cancer, familial, susceptibility to, 2. Last evaluated: 2020-03-02. Review status: no assertion criteria provided. Collection method: clinical testing. Allele origin: germline. Affected: yes. Not counted in ClinVar's aggregate classification.

Mayo Clinic Laboratories, Mayo Clinic
Classification: Uncertain significance. Last evaluated: 2018-01-19. Review status: no assertion criteria provided. Collection method: clinical testing. Allele origin: unknown. Not counted in ClinVar's aggregate classification.

Literature cited by the submitters: PubMed 27273131 (cited by 6 submitters); PubMed 36627197 (cited by 5 submitters); PubMed 37060015 (cited by 4 submitters); PubMed 39779848 (cited by Quest Diagnostics Nichols Institute San Juan Capistrano and Color Diagnostics, LLC DBA Color Health); PubMed 38566028 (cited by Quest Diagnostics Nichols Institute San Juan Capistrano); PubMed 35585550 (cited by Quest Diagnostics Nichols Institute San Juan Capistrano); PubMed 31853058 (cited by Color Diagnostics, LLC DBA Color Health); PubMed 33471991 (cited by Color Diagnostics, LLC DBA Color Health); PubMed 39779857 (cited by Color Diagnostics, LLC DBA Color Health); PubMed 33428613 (cited by All of Us Research Program, National Institutes of Health).